The following is an entry in ClinVar:

NM_001851.6(COL9A1):c.163C>T (p.Pro55Ser)

Gene: COL9A1 (collagen type IX alpha 1 chain; minus strand). Cytogenetic location: 6q13.
Variant type: single nucleotide variant.
Coding change: c.163C>T on transcript NM_001851.6 (MANE Select); coding-DNA position 163, C replaced by T.
Protein change: p.Pro55Ser; replaces proline 55 with serine.
Molecular consequence: missense variant.
Genome position (GRCh38, 1-based): chr6:70,300,312, G>A on the plus strand (C>T on the coding strand, the complement: COL9A1 is on the minus strand). VCF-style: chr6-70300312-G-A. GRCh37 (hg19) VCF-style: chr6-71010015-G-A.
Other names: c.163C>T, p.Pro55Ser (NM_001377291.1); short protein forms P55S.
Identifiers: ClinVar variation 1473014 (VCV001473014.6), dbSNP rs1489422710, ClinGen allele CA364675003.

ClinVar aggregate classification (germline): Uncertain significance (1 of 4 stars; one submission).

Allele frequency attached by ClinVar (database versions not stated): TOPMed below 0.00001.

Submission:

Labcorp Genetics (formerly Invitae), Labcorp
Classification: Uncertain significance. Last evaluated: 2022-03-03. Review status: criteria provided, single submitter. Criteria: Invitae Variant Classification Sherloc (09022015). Collection method: clinical testing. Allele origin: germline.
Comment: In summary, the available evidence is currently insufficient to determine the role of this variant in disease. Therefore, it has been classified as a Variant of Uncertain Significance. Advanced modeling of protein sequence and biophysical properties (such as structural, functional, and spatial information, amino acid conservation, physicochemical variation, residue mobility, and thermodynamic stability) performed at Invitae indicates that this missense variant is not expected to disrupt COL9A1 protein function. This variant has not been reported in the literature in individuals affected with COL9A1-related conditions. This variant is present in population databases (no rsID available, gnomAD 0.003%). This sequence change replaces proline, which is neutral and non-polar, with serine, which is neutral and polar, at codon 55 of the COL9A1 protein (p.Pro55Ser).